The following is an entry in ClinVar:

NM_001267550.2(TTN):c.6564dup (p.Asp2189fs)

Gene: TTN (titin; minus strand). Cytogenetic location: 2q31.2.
Variant type: Duplication.
Coding change: c.6564dup on transcript NM_001267550.2 (MANE Select); coding-DNA position 6564, one base duplicated (A; older notation c.6564dupA).
Protein change: p.Asp2189fs; shifts the reading frame from aspartic acid 2189.
Molecular consequence: frameshift variant.
Genome position (GRCh38, 1-based): chr2:178,775,147, T duplicated on the plus strand (A on the coding strand, the reverse complement: TTN is on the minus strand); the first of 5 consecutive T bases (chr2:178,775,147-178,775,151); duplicating any one gives the same sequence. VCF-style (leftmost placement, unchanged base first): chr2-178775146-C-CT. GRCh37 (hg19) VCF-style: chr2-179639873-C-CT.
Other names: c.6564dupA (NM_133378.4); c.6564dup, p.Asp2189fs (NM_001256850.1, NM_133378.4, NM_133379.5); c.6426dup, p.Asp2143fs (NM_003319.4, NM_133432.3, NM_133437.4); short protein forms D2143fs, D2189fs.
Identifiers: ClinVar variation 2506078 (VCV002506078.1), dbSNP rs2532791337, ClinGen allele CA2580616643.

ClinVar aggregate classification (germline): Pathogenic (1 of 4 stars; one submission).

Conditions:
Autosomal recessive limb-girdle muscular dystrophy type 2J (LGMDR10). Also called: MUSCULAR DYSTROPHY, LIMB-GIRDLE, AUTOSOMAL RECESSIVE 10; Limb-girdle muscular dystrophy, type 2J. Identifiers: Orphanet 140922, MedGen C1837342, MONDO:0012127, OMIM 608807.

Submission:

Women's Health and Genetics/Laboratory Corporation of America, LabCorp
Classification: Pathogenic for Autosomal recessive limb-girdle muscular dystrophy type 2J. Last evaluated: 2023-05-09. Review status: criteria provided, single submitter. Criteria: LabCorp Variant Classification Summary - May 2015. Collection method: clinical testing. Allele origin: germline.
Comment: Variant summary: TTN c.6564dupA (p.Asp2189ArgfsX7) results in a premature termination codon, predicted to cause a truncation of the encoded protein or absence of the protein due to nonsense mediated decay, which are commonly known mechanisms for disease. The variant was absent in 250692 control chromosomes (gnomAD). To our knowledge, no occurrence of c.6564dupA in individuals affected with Limb-Girdle Muscular Dystrophy, Type 2J and no experimental evidence demonstrating its impact on protein function have been reported. Frameshift and other truncating variants in TTN are strongly associated with DCM if they are located in the exons encoding for the A-band (PMID: 22335739, PMID: 24503780) and/or are located in an exon that is highly expressed in the heart (PMID: 25589632), which is the case for this variant (I band with a PSI score of 100%). No clinical diagnostic laboratories have submitted clinical-significance assessments for this variant to ClinVar after 2014. Based on the evidence outlined above, the variant was classified as pathogenic.